The following is an entry in ClinVar:

NM_001009999.3(KDM1A):c.614A>G (p.His205Arg)

Gene: KDM1A (lysine demethylase 1A; plus strand). Cytogenetic location: 1p36.12.
Variant type: single nucleotide variant.
Coding change: c.614A>G on transcript NM_001009999.3 (MANE Select); coding-DNA position 614, A replaced by G.
Protein change: p.His205Arg; replaces histidine 205 with arginine.
Molecular consequence: missense variant.
Genome position (GRCh38, 1-based): chr1:23,050,423, A>G. VCF-style: chr1-23050423-A-G. GRCh37 (hg19) VCF-style: chr1-23376916-A-G.
Other names: c.554A>G, p.His185Arg (NM_001363654.2, NM_001410763.1, NM_015013.4); c.614A>G, p.His205Arg (NM_001410762.1); c.614A>G (NM_001009999.2); short protein forms H205R, H185R.
Identifiers: ClinVar variation 3700802 (VCV003700802.4).

ClinVar aggregate classification (germline): Uncertain significance. Review status: criteria provided, multiple submitters, no conflicts (2 of 4 stars). 3 submissions from 3 submitters: Uncertain significance (3). Last evaluated 2025-09-09.

Conditions:
Inborn genetic diseases. Identifiers: MedGen C0950123, MeSH D030342.

gnomAD v4.1: 12 of 1,613,574 alleles (0.00074%); highest among the groups gnomAD compares: South Asian, 0.0011%; no homozygotes.

Submissions (3):

Women's Health and Genetics/Laboratory Corporation of America, LabCorp
Classification: Uncertain significance. Last evaluated: 2025-09-09. Review status: criteria provided, single submitter. Criteria: LabCorp Variant Classification Summary - May 2015. Collection method: clinical testing. Allele origin: germline.
Comment: Variant summary: KDM1A c.614A>G (p.His205Arg) results in a non-conservative amino acid change in the encoded protein sequence. Algorithms developed to predict the effect of missense changes on protein structure and function are either unavailable or do not agree on the potential impact of this missense change. The variant was absent in 250854 control chromosomes. The available data on variant occurrences in the general population are insufficient to allow any conclusion about variant significance. To our knowledge, no occurrence of c.614A>G in individuals affected with KDM1A-related conditions and no experimental evidence demonstrating its impact on protein function have been reported. ClinVar contains an entry for this variant (Variation ID: 3700802). Based on the evidence outlined above, the variant was classified as uncertain significance.

Ambry Genetics
Classification: Uncertain significance for Inborn genetic diseases. Last evaluated: 2025-02-26. Review status: criteria provided, single submitter. Criteria: Ambry Variant Classification Scheme 2023. Collection method: clinical testing. Allele origin: germline.
Comment: The p.H205R variant (also known as c.614A>G), located in coding exon 4 of the KDM1A gene, results from an A to G substitution at nucleotide position 614. The histidine at codon 205 is replaced by arginine, an amino acid with highly similar properties. This amino acid position is conserved. In addition, the in silico prediction for this alteration is inconclusive. Based on the available evidence, the clinical significance of this variant remains unclear.

Labcorp Genetics (formerly Invitae), Labcorp
Classification: Uncertain significance. Last evaluated: 2024-12-09. Review status: criteria provided, single submitter. Criteria: Invitae Variant Classification Sherloc (09022015). Collection method: clinical testing. Allele origin: germline.
Comment: This sequence change replaces histidine, which is basic and polar, with arginine, which is basic and polar, at codon 205 of the KDM1A protein (p.His205Arg). This variant is present in population databases (rs758803358, gnomAD 0.0009%). This variant has not been reported in the literature in individuals affected with KDM1A-related conditions. Invitae Evidence Modeling of protein sequence and biophysical properties (such as structural, functional, and spatial information, amino acid conservation, physicochemical variation, residue mobility, and thermodynamic stability) indicates that this missense variant is not expected to disrupt KDM1A protein function with a negative predictive value of 80%. In summary, the available evidence is currently insufficient to determine the role of this variant in disease. Therefore, it has been classified as a Variant of Uncertain Significance.